The following is an entry in ClinVar:

ClinVar aggregate classification (germline): Likely benign (1 of 4 stars; one submission).

Submission:

CeGaT Center for Human Genetics Tuebingen
Classification: Likely benign. Last evaluated: 2024-11-01. Review status: criteria provided, single submitter. Criteria: CeGaT Center For Human Genetics Tuebingen Variant Classification Criteria Version 2. Collection method: clinical testing. Allele origin: germline. Affected: yes. Observed: 1 variant allele.
Comment: PLEKHM1: PM2:Supporting, BP4, BP7

NM_014798.3(PLEKHM1):c.2263C>T (p.Leu755=)

Gene: PLEKHM1 (pleckstrin homology and RUN domain containing M1; minus strand). Cytogenetic location: 17q21.31.
Variant type: single nucleotide variant.
Coding change: c.2263C>T on transcript NM_014798.3 (MANE Select); coding-DNA position 2263, C replaced by T.
Protein change: p.Leu755=; no amino-acid change (leucine 755 retained).
Molecular consequence: synonymous variant. On other transcripts: non-coding transcript variant (2).
Genome position (GRCh38, 1-based): chr17:45,453,589, G>A on the plus strand (C>T on the coding strand, the complement: PLEKHM1 is on the minus strand). VCF-style: chr17-45453589-G-A. GRCh37 (hg19) VCF-style: chr17-43530955-G-A.
Other names: c.2263C>T, p.Leu755= (NM_001352825.2).
Identifiers: ClinVar variation 3390184 (VCV003390184.14).